The following is an entry in ClinVar:

NM_004415.4(DSP):c.2139G>T (p.Gln713His)

Gene: DSP (desmoplakin; plus strand). Cytogenetic location: 6p24.3.
Variant type: single nucleotide variant.
Coding change: c.2139G>T on transcript NM_004415.4 (MANE Select); coding-DNA position 2139, G replaced by T.
Protein change: p.Gln713His; replaces glutamine 713 with histidine.
Molecular consequence: missense variant.
Genome position (GRCh38, 1-based): chr6:7,574,094, G>T. VCF-style: chr6-7574094-G-T. GRCh37 (hg19) VCF-style: chr6-7574327-G-T.
Other names: c.2139G>T, p.Gln713His (NM_001008844.3, NM_001319034.2); short protein forms Q713H.
Identifiers: ClinVar variation 1983589 (VCV001983589.5), dbSNP rs1404956270, ClinGen allele CA362680652.
Genomic context (GRCh38, chr6:7,574,094, plus strand): 5'-AGTAATAAAAAGAATCAGCTAAATCAAAAGAGCTTTCCTTCATTTTTGACAGAGTGTGCA[G>T]AATGATTCACAAGCAATTGCTGAGGTTCTCAACCAGCTTAAAGATATGCTTGCCAACTTC-3'
Protein context (NP_004406.2, residues 703-723): TVKINELKSV[Gln713His]NDSQAIAEVL

ClinVar aggregate classification (germline): Uncertain significance. Review status: criteria provided, multiple submitters, no conflicts (2 of 4 stars). 2 submissions from 2 submitters: Uncertain significance (2). Last evaluated 2026-05-17.

Conditions:
Cardiovascular phenotype. Identifiers: MedGen CN230736.
Arrhythmogenic right ventricular dysplasia 8 (ARVD8). Also called: Arrhythmogenic Right Ventricular Dysplasia/Cardiomyopathy 8; ARRHYTHMOGENIC RIGHT VENTRICULAR DYSPLASIA, FAMILIAL, 8; ARRHYTHMOGENIC RIGHT VENTRICULAR CARDIOMYOPATHY 8. Identifiers: MedGen C1843896, MONDO:0011831, OMIM 607450.
Arrhythmogenic cardiomyopathy with wooly hair and keratoderma. Also called: PALMOPLANTAR KERATODERMA WITH LEFT VENTRICULAR CARDIOMYOPATHY AND WOOLLY HAIR; Carvajal syndrome; Dilated cardiomyopathy with woolly hair and keratoderma; Arrhythmogenic cardiomyopathy with woolly hair and keratoderma. Identifiers: Orphanet 65282, MedGen C1854063, MONDO:0011581, OMIM 605676.

Allele frequency attached by ClinVar (database versions not stated): TOPMed 0.00001.
gnomAD v4.1: 2 of 1,614,074 alleles (0.00012%); highest among the groups gnomAD compares: Non-Finnish European, 0.00017%; no homozygotes.

Submissions (2):

Ambry Genetics
Classification: Uncertain significance for Cardiovascular phenotype. Last evaluated: 2026-05-17. Review status: criteria provided, single submitter. Criteria: Ambry Variant Classification Scheme 2023. Collection method: clinical testing. Allele origin: germline.
Comment: The p.Q713H variant (also known as c.2139G>T), located in coding exon 16 of the DSP gene, results from a G to T substitution at nucleotide position 2139. The glutamine at codon 713 is replaced by histidine, an amino acid with highly similar properties. This amino acid position is conserved. In addition, the in silico prediction for this alteration is inconclusive. Based on the available evidence, the clinical significance of this variant remains unclear.

Labcorp Genetics (formerly Invitae), Labcorp
Classification: Uncertain significance for Arrhythmogenic cardiomyopathy with wooly hair and keratoderma; Arrhythmogenic right ventricular dysplasia 8. Last evaluated: 2025-08-17. Review status: criteria provided, single submitter. Criteria: Invitae Variant Classification Sherloc (09022015). Collection method: clinical testing. Allele origin: germline.
Comment: This sequence change replaces glutamine, which is neutral and polar, with histidine, which is basic and polar, at codon 713 of the DSP protein (p.Gln713His). This variant is present in population databases (no rsID available, gnomAD 0.0009%). This variant has not been reported in the literature in individuals affected with DSP-related conditions. ClinVar contains an entry for this variant (Variation ID: 1983589). An algorithm developed to predict the effect of missense changes on protein structure and function (PolyPhen-2) suggests that this variant is likely to be disruptive. In summary, the available evidence is currently insufficient to determine the role of this variant in disease. Therefore, it has been classified as a Variant of Uncertain Significance.